The following is an entry in ClinVar:

NM_000051.4(ATM):c.667G>A (p.Glu223Lys)

Gene: ATM (ATM serine/threonine kinase; plus strand). Cytogenetic location: 11q22.3.
Variant type: single nucleotide variant.
Coding change: c.667G>A on transcript NM_000051.4 (MANE Select); coding-DNA position 667, G replaced by A.
Protein change: p.Glu223Lys; replaces glutamic acid 223 with lysine.
Molecular consequence: missense variant.
Genome position (GRCh38, 1-based): chr11:108,244,792, G>A. VCF-style: chr11-108244792-G-A. GRCh37 (hg19) VCF-style: chr11-108115519-G-A.
Other names: c.667G>A, p.Glu223Lys (NM_001351834.2); short protein forms E223K.
Identifiers: ClinVar variation 3616361 (VCV003616361.3).

ClinVar aggregate classification (germline): Conflicting classifications of pathogenicity. Review status: criteria provided, conflicting classifications (1 of 4 stars). 2 submissions from 2 submitters: Uncertain significance (1); Likely benign (1). Last evaluated 2026-09-03.

Conditions:
Ataxia-telangiectasia syndrome (AT). Also called: LOUIS-BAR SYNDROME; Ataxia-telangiectasia, complementation group D; AT, COMPLEMENTATION GROUP C; ATAXIA-TELANGIECTASIA, FRESNO VARIANT; Ataxia telangiectasia (A-T); Cerebello-oculocutaneous telangiectasia. Identifiers: Orphanet 100, MedGen C0004135, MONDO:0008840, OMIM 208900.
Hereditary cancer-predisposing syndrome. Also called: Hereditary neoplastic syndrome; Neoplastic Syndromes, Hereditary; Tumor predisposition; Hereditary Cancer Syndrome. Identifiers: Orphanet 140162, MedGen C0027672, MeSH D009386, MONDO:0015356.

gnomAD v4.1: 1 of 1,612,754 alleles (0.000062%); highest among the groups gnomAD compares: Non-Finnish European, 0.000085%; no homozygotes.

Submissions (2):

Ambry Genetics
Classification: Likely benign for Hereditary cancer-predisposing syndrome. Last evaluated: 2026-09-03. Review status: criteria provided, single submitter. Criteria: Ambry Variant Classification Scheme 2023. Collection method: clinical testing. Allele origin: germline.

Labcorp Genetics (formerly Invitae), Labcorp
Classification: Uncertain significance for Ataxia-telangiectasia syndrome. Last evaluated: 2025-11-17. Review status: criteria provided, single submitter. Criteria: Invitae Variant Classification Sherloc (09022015). Collection method: clinical testing. Allele origin: germline.
Comment: This sequence change replaces glutamic acid, which is acidic and polar, with lysine, which is basic and polar, at codon 223 of the ATM protein (p.Glu223Lys). This variant is not present in population databases (gnomAD no frequency). This variant has not been reported in the literature in individuals affected with ATM-related conditions. ClinVar contains an entry for this variant (Variation ID: 3616361). Invitae Evidence Modeling of protein sequence and biophysical properties (such as structural, functional, and spatial information, amino acid conservation, physicochemical variation, residue mobility, and thermodynamic stability) indicates that this missense variant is not expected to disrupt ATM protein function with a negative predictive value of 95%. In summary, the available evidence is currently insufficient to determine the role of this variant in disease. Therefore, it has been classified as a Variant of Uncertain Significance.